The following is an entry in ClinVar:

NM_003265.3(TLR3):c.1873G>A (p.Val625Ile)

Gene: TLR3 (toll like receptor 3; plus strand). Cytogenetic location: 4q35.1.
Variant type: single nucleotide variant.
Coding change: c.1873G>A on transcript NM_003265.3 (MANE Select); coding-DNA position 1873, G replaced by A.
Protein change: p.Val625Ile; replaces valine 625 with isoleucine.
Molecular consequence: missense variant.
Genome position (GRCh38, 1-based): chr4:186,083,559, G>A. VCF-style: chr4-186083559-G-A. GRCh37 (hg19) VCF-style: chr4-187004713-G-A.
Other names: short protein forms V625I.
Identifiers: ClinVar variation 1473529 (VCV001473529.8), dbSNP rs772808268, ClinGen allele CA3161484.

ClinVar aggregate classification (germline): Uncertain significance (1 of 4 stars; one submission).

Conditions:
Encephalopathy, acute, infection-induced (herpes-specific), susceptibility to, 1. Also called: Herpes simplex encephalitis, susceptibility to, 1. Identifiers: Orphanet 1930, MedGen C2750180, MONDO:0024563, OMIM 610551.

Allele frequency attached by ClinVar (database versions not stated): ExAC 0.00001; gnomAD 0.00001; TOPMed 0.00001; gnomAD exomes 0.00002.
gnomAD v4.1: 35 of 1,612,910 alleles (0.0022%); highest among the groups gnomAD compares: East Asian, 0.0067%; no homozygotes.

Submission:

Labcorp Genetics (formerly Invitae), Labcorp
Classification: Uncertain significance for Encephalopathy, acute, infection-induced (herpes-specific), susceptibility to, 1. Last evaluated: 2024-09-28. Review status: criteria provided, single submitter. Criteria: Invitae Variant Classification Sherloc (09022015). Collection method: clinical testing. Allele origin: germline.
Comment: This sequence change replaces valine, which is neutral and non-polar, with isoleucine, which is neutral and non-polar, at codon 625 of the TLR3 protein (p.Val625Ile). This variant is present in population databases (rs772808268, gnomAD 0.005%). This variant has not been reported in the literature in individuals affected with TLR3-related conditions. ClinVar contains an entry for this variant (Variation ID: 1473529). An algorithm developed to predict the effect of missense changes on protein structure and function (PolyPhen-2) suggests that this variant is likely to be disruptive. In summary, the available evidence is currently insufficient to determine the role of this variant in disease. Therefore, it has been classified as a Variant of Uncertain Significance.